The following is an entry in ClinVar:

NM_005765.3(ATP6AP2):c.328G>A (p.Ala110Thr)

Gene: ATP6AP2 (ATPase H+ transporting accessory protein 2; plus strand). Cytogenetic location: Xp11.4.
Variant type: single nucleotide variant.
Coding change: c.328G>A on transcript NM_005765.3 (MANE Select); coding-DNA position 328, G replaced by A.
Protein change: p.Ala110Thr; replaces alanine 110 with threonine.
Molecular consequence: missense variant.
Genome position (GRCh38, 1-based): chrX:40,597,276, G>A. VCF-style: chrX-40597276-G-A. GRCh37 (hg19) VCF-style: chrX-40456528-G-A.
Other names: short protein forms A110T.
Identifiers: ClinVar variation 2988139 (VCV002988139.3), dbSNP rs2518964286, ClinGen allele CA412755250.
Genomic context (GRCh38, chrX:40,597,276, plus strand): 5'-CATAATAATTGCGTTCTTACTCTTAAATTTCAGGCAGTTCCTTTTAGTCTTGACAGTGTT[G>A]CAAATTCCATTCACTCCTTATTTTCTGAGGAAACTCCTGTTGTTTTGCAGTTGGCTCCCA-3'
Protein context (NP_005756.2, residues 100-120): NAVPFSLDSV[Ala110Thr]NSIHSLFSEE

ClinVar aggregate classification (germline): Uncertain significance (1 of 4 stars; one submission).

Conditions:
Intellectual developmental disorder, X-linked, syndromic, Hedera type. Also called: Syndromic X-linked intellectual disability Hedera type. Identifiers: Orphanet 93952, MedGen C1845543, MONDO:0010319, OMIM 300423.

Submission:

Labcorp Genetics (formerly Invitae), Labcorp
Classification: Uncertain significance for Intellectual developmental disorder, X-linked, syndromic, Hedera type. Last evaluated: 2024-01-14. Review status: criteria provided, single submitter. Criteria: Invitae Variant Classification Sherloc (09022015). Collection method: clinical testing. Allele origin: germline.
Comment: This sequence change replaces alanine, which is neutral and non-polar, with threonine, which is neutral and polar, at codon 110 of the ATP6AP2 protein (p.Ala110Thr). This variant is not present in population databases (gnomAD no frequency). This variant has not been reported in the literature in individuals affected with ATP6AP2-related conditions. Advanced modeling of protein sequence and biophysical properties (such as structural, functional, and spatial information, amino acid conservation, physicochemical variation, residue mobility, and thermodynamic stability) performed at Invitae indicates that this missense variant is not expected to disrupt ATP6AP2 protein function with a negative predictive value of 80%. In summary, the available evidence is currently insufficient to determine the role of this variant in disease. Therefore, it has been classified as a Variant of Uncertain Significance.